The following is an entry in ClinVar:

ClinVar aggregate classification (germline): Likely benign. Review status: criteria provided, multiple submitters, no conflicts (2 of 4 stars). 2 submissions from 2 submitters: Likely benign (2). Last evaluated 2024-11-11.

Conditions:
Hereditary spastic paraplegia 64. Also called: ENTPD1-Related Neurodevelopmental Disorder; Spastic paraplegia 64, autosomal recessive. Identifiers: Orphanet 401810, MedGen C3810289, MONDO:0014303, OMIM 615683.

Allele frequency attached by ClinVar (database versions not stated): gnomAD 0.00001; gnomAD exomes 0.00003; TOPMed 0.00005; ExAC 0.00007.
gnomAD v4.1: 42 of 1,613,984 alleles (0.0026%); highest among the groups gnomAD compares: Admixed American, 0.0067%; no homozygotes.

Submissions (2):

Labcorp Genetics (formerly Invitae), Labcorp
Classification: Likely benign for Hereditary spastic paraplegia 64. Last evaluated: 2024-11-11. Review status: criteria provided, single submitter. Criteria: Invitae Variant Classification Sherloc (09022015). Collection method: clinical testing. Allele origin: germline.

CeGaT Center for Human Genetics Tuebingen
Classification: Likely benign. Last evaluated: 2023-12-01. Review status: criteria provided, single submitter. Criteria: CeGaT Center For Human Genetics Tuebingen Variant Classification Criteria Version 2. Collection method: clinical testing. Allele origin: germline. Affected: yes. Observed: 1 variant allele.
Comment: ENTPD1: BP4, BP7

NM_001776.6(ENTPD1):c.1203C>T (p.Tyr401=)

Genes: ENTPD1 (ectonucleoside triphosphate diphosphohydrolase 1; plus strand), ENTPD1-AS1 (ENTPD1 antisense RNA 1; minus strand). Cytogenetic location: 10q24.1.
Variant type: single nucleotide variant.
Coding change: c.1203C>T on transcript NM_001776.6 (MANE Select); coding-DNA position 1203, C replaced by T.
Protein change: p.Tyr401=; no amino-acid change (tyrosine 401 retained).
Molecular consequence: synonymous variant.
Genome position (GRCh38, 1-based): chr10:95,864,738, C>T. VCF-style: chr10-95864738-C-T. GRCh37 (hg19) VCF-style: chr10-97624495-C-T.
Other names: c.1224C>T, p.Tyr408= (NM_001098175.2); c.1239C>T, p.Tyr413= (NM_001164178.1, NM_001320916.1); c.1080C>T, p.Tyr360= (NM_001164179.2); c.879C>T, p.Tyr293= (NM_001164181.1, NM_001312654.1); c.789C>T, p.Tyr263= (NM_001164182.2, NM_001164183.2).
Identifiers: ClinVar variation 2909891 (VCV002909891.25), dbSNP rs1804825, ClinGen allele CA5621588.